The following is an entry in ClinVar:

NM_001130009.3(GEN1):c.155A>T (p.His52Leu)

Gene: GEN1 (GEN1 structure-specific endonuclease; plus strand). Cytogenetic location: 2p24.2.
Variant type: single nucleotide variant.
Coding change: c.155A>T on transcript NM_001130009.3 (MANE Select); coding-DNA position 155, A replaced by T.
Protein change: p.His52Leu; replaces histidine 52 with leucine.
Molecular consequence: missense variant.
Genome position (GRCh38, 1-based): chr2:17,760,098, A>T. VCF-style: chr2-17760098-A-T. GRCh37 (hg19) VCF-style: chr2-17941365-A-T.
Other names: c.155A>T, p.His52Leu (NM_182625.5); short protein forms H52L.
Identifiers: ClinVar variation 2554606 (VCV002554606.3), dbSNP rs2545543701, ClinGen allele CA345906115.
Genomic context (GRCh38, chr2:17,760,098, plus strand): 5'-GTCTCTGGGTGTGTGAGGCACAGACAGTCAAAAAAATGATGGGCAGCGTCATGAAGCCCC[A>T]CCTCAGGTATAGTAAAAGCTCTTACAGTATAAATGTATGATGTATAAACAGTCTTGGTAT-3'
Protein context (NP_001123481.3, residues 42-62): KKMMGSVMKP[His52Leu]LRNLFFRISY

ClinVar aggregate classification (germline): Uncertain significance (1 of 4 stars; one submission).

Allele frequency attached by ClinVar (database versions not stated): gnomAD exomes 0.00001.
gnomAD v4.1: 5 of 1,613,974 alleles (0.00031%); highest among the groups gnomAD compares: Non-Finnish European, 0.00042%; no homozygotes.

Submission:

Ambry Genetics
Classification: Uncertain significance. Last evaluated: 2026-08-20. Review status: criteria provided, single submitter. Criteria: Ambry Variant Classification Scheme 2023. Collection method: clinical testing. Allele origin: germline.
Comment: The p.H52L variant (also known as c.155A>T), located in coding exon 1 of the GEN1 gene, results from an A to T substitution at nucleotide position 155. The histidine at codon 52 is replaced by leucine, an amino acid with similar properties. This amino acid position is conserved. In addition, this alteration is predicted to be deleterious by in silico analysis. Based on the available evidence, the clinical significance of this variant remains unclear.